The following is an entry in ClinVar:

ClinVar aggregate classification (germline): Uncertain significance. Review status: criteria provided, multiple submitters, no conflicts (2 of 4 stars). 2 submissions from 2 submitters: Uncertain significance (2). Last evaluated 2025-06-28.

Conditions:
Hereditary cancer-predisposing syndrome. Also called: Neoplastic Syndromes, Hereditary; Tumor predisposition; Hereditary Cancer Syndrome; Hereditary neoplastic syndrome. Identifiers: Orphanet 140162, MedGen C0027672, MeSH D009386, MONDO:0015356.

Submissions (2):

Ambry Genetics
Classification: Uncertain significance for Hereditary cancer-predisposing syndrome. Last evaluated: 2025-06-28. Review status: criteria provided, single submitter. Criteria: Ambry Variant Classification Scheme 2023. Collection method: clinical testing. Allele origin: germline.
Comment: The p.C430R variant (also known as c.1288T>C), located in coding exon 9 of the ATM gene, results from a T to C substitution at nucleotide position 1288. The cysteine at codon 430 is replaced by arginine, an amino acid with highly dissimilar properties. This amino acid position is conserved. In addition, this alteration is predicted to be tolerated by in silico analysis. Based on the available evidence, the clinical significance of this variant remains unclear.

Color Diagnostics, LLC DBA Color Health
Classification: Uncertain significance for Hereditary cancer-predisposing syndrome. Last evaluated: 2023-12-05. Review status: criteria provided, single submitter. Criteria: ACMG Guidelines, 2015. Collection method: clinical testing. Allele origin: germline.
Comment: This missense variant replaces cysteine with arginine at codon 430 of the ATM protein. Computational prediction suggests that this variant may not impact protein structure and function (internally defined REVEL score threshold <= 0.5, PMID: 27666373). To our knowledge, functional studies have not been reported for this variant. This variant has not been reported in individuals affected with ATM-related disorders in the literature. This variant has not been identified in the general population by the Genome Aggregation Database (gnomAD). The available evidence is insufficient to determine the role of this variant in disease conclusively. Therefore, this variant is classified as a Variant of Uncertain Significance.

NM_000051.4(ATM):c.1288T>C (p.Cys430Arg)

Gene: ATM (ATM serine/threonine kinase; plus strand). Cytogenetic location: 11q22.3.
Variant type: single nucleotide variant.
Coding change: c.1288T>C on transcript NM_000051.4 (MANE Select); coding-DNA position 1288, T replaced by C.
Protein change: p.Cys430Arg; replaces cysteine 430 with arginine.
Molecular consequence: missense variant.
Genome position (GRCh38, 1-based): chr11:108,250,753, T>C. VCF-style: chr11-108250753-T-C. GRCh37 (hg19) VCF-style: chr11-108121480-T-C.
Other names: c.1288T>C, p.Cys430Arg (NM_001351834.2); short protein forms C430R.
Identifiers: ClinVar variation 921875 (VCV000921875.5), dbSNP rs2080092840, ClinGen allele CA382533532.
Genomic context (GRCh38, chr11:108,250,753, plus strand): 5'-TTTTTTAGGCTACAGATTGCAACCCAATTAATATCAAAGTATCCTGCAAGTTTACCTAAC[T>C]GTGAGCTGTCTCCATTACTGATGATACTATCTCAGCTTCTACCCCAACAGCGACATGGGG-3'
Protein context (NP_000042.3, residues 420-440): ISKYPASLPN[Cys430Arg]ELSPLLMILS